The following is an entry in ClinVar:

ClinVar aggregate classification (germline): Pathogenic/Likely pathogenic. Review status: criteria provided, multiple submitters, no conflicts (2 of 4 stars). 11 submissions from 11 submitters: Pathogenic (6); Likely pathogenic (3). 2 of the submissions do not count toward it. Last evaluated 2025-12-30.

Conditions:
Oculocutaneous albinism type 1A (OCA1A). Also called: Albinism, oculocutaneous, type IA. Identifiers: Orphanet 352731, Orphanet 79431, MedGen C4551504, MONDO:0008745, OMIM 203100. Disease mechanism: loss of function.
Oculocutaneous albinism type 1B (OCA1B). Also called: ALBINISM, OCULOCUTANEOUS, TYPE IB; ALBINISM, YELLOW MUTANT TYPE; YELLOW ALBINISM. Identifiers: Orphanet 352731, Orphanet 352737, Orphanet 79434, MedGen C1847024, MONDO:0011749, OMIM 606952.
SKIN/HAIR/EYE PIGMENTATION 3, LIGHT/DARK SKIN (SHEP3). Also called: SKIN/HAIR/EYE PIGMENTATION, VARIATION IN, 3; EYE COLOR 1; EYE COLOR, GREEN/BLUE; SKIN/HAIR/EYE PIGMENTATION 3, BLUE/GREEN EYE COLOR; SKIN/HAIR/EYE PIGMENTATION 3, FRECKLING. Identifiers: MedGen C2677190, OMIM 601800.
TYR-related disorder. Also called: TYR-related condition.
Oculocutaneous albinism. Identifiers: Orphanet 55, MedGen C0078918, MONDO:0018910.
Oculocutaneous albinism type 1. Also called: Albinism 1; ALBINISM I. Identifiers: Orphanet 352731, MedGen C0268494, MONDO:0018135. Disease mechanism: loss of function.

Allele frequency attached by ClinVar (database versions not stated): TOPMed below 0.00001; gnomAD 0.00001; ExAC 0.00005; ESP Exome Variant Server 0.00008.
gnomAD v4.1: 32 of 1,611,534 alleles (0.002%); highest among the groups gnomAD compares: East Asian, 0.016%; no homozygotes.

Submissions (11):

Labcorp Genetics (formerly Invitae), Labcorp
Classification: Pathogenic. Last evaluated: 2025-12-30. Review status: criteria provided, single submitter. Criteria: Invitae Variant Classification Sherloc (09022015). Collection method: clinical testing. Allele origin: germline.
Comment: This sequence change replaces arginine, which is basic and polar, with serine, which is neutral and polar, at codon 403 of the TYR protein (p.Arg403Ser). This variant is present in population databases (rs104894316, gnomAD 0.007%). This missense change has been observed in individuals with oculocutaneous albinism (PMID: 1642278, 10987646, 18463683). ClinVar contains an entry for this variant (Variation ID: 3800). Invitae Evidence Modeling of protein sequence and biophysical properties (such as structural, functional, and spatial information, amino acid conservation, physicochemical variation, residue mobility, and thermodynamic stability) indicates that this missense variant is expected to disrupt TYR protein function with a positive predictive value of 95%. For these reasons, this variant has been classified as Pathogenic.

Myriad Genetics, Inc.
Classification: Likely pathogenic for Oculocutaneous albinism type 1. Last evaluated: 2025-02-10. Review status: criteria provided, single submitter. Criteria: Myriad Autosomal Dominant, Autosomal Recessive and X-Linked Classification Criteria (2023). Collection method: clinical testing. Allele origin: unknown.
Comment: NM_000372.4(TYR):c.1209G>T(R403S) is a missense variant classified as likely pathogenic in the context of oculocutaneous albinism, TYR-related. R403S has been observed in cases with relevant disease (PMID: 10987646, 27734839, 1642278). Relevant functional assessments of this variant are not available in the literature. R403S has been observed in referenced population frequency databases. In summary, NM_000372.4(TYR):c.1209G>T(R403S) is a missense variant that has been observed more frequently in cases with the relevant disease than in healthy populations. Please note: this variant was assessed in the context of healthy population screening.

Fulgent Genetics
Classification: Pathogenic for Oculocutaneous albinism type 1A; SKIN/HAIR/EYE PIGMENTATION 3, LIGHT/DARK SKIN; Oculocutaneous albinism type 1B. Last evaluated: 2024-05-29. Review status: criteria provided, single submitter. Criteria: ACMG Guidelines, 2015. Collection method: clinical testing. Allele origin: germline.

Blueprint Genetics
Classification: Pathogenic for TYR-related disorders. Last evaluated: 2024-05-23. Review status: criteria provided, single submitter. Criteria: ACMG Guidelines, 2015. Collection method: clinical testing. Allele origin: germline. Affected: yes. Observed: 4 variant alleles.

Baylor Genetics
Classification: Pathogenic for SKIN/HAIR/EYE PIGMENTATION 3, LIGHT/DARK SKIN. Last evaluated: 2024-02-20. Review status: criteria provided, single submitter. Criteria: ACMG Guidelines, 2015. Collection method: clinical testing. Allele origin: unknown.

Women's Health and Genetics/Laboratory Corporation of America, LabCorp
Classification: Pathogenic for Oculocutaneous albinism. Last evaluated: 2023-09-20. Review status: criteria provided, single submitter. Criteria: LabCorp Variant Classification Summary - May 2015. Collection method: clinical testing. Allele origin: germline.
Comment: Variant summary: TYR c.1209G>T (p.Arg403Ser) results in a non-conservative amino acid change in the encoded protein sequence. Four of five in-silico tools predict a damaging effect of the variant on protein function. The variant allele was found at a frequency of 3.6e-05 in 250392 control chromosomes. c.1209G>T has been reported at a compound heterozygous state along with different apparently pathogenic variants in multiple individuals affected with Oculocutaneous Albinism (examples, Tripathi_1992, Passmore_1999, Hutton_2008) . These data indicate that the variant is very likely to be associated with disease. To our knowledge, no experimental evidence demonstrating an impact on protein function has been reported. The following publications have been ascertained in the context of this evaluation (PMID: 18463683, 10987646, 1642278). Four submitters have cited clinical-significance assessments for this variant to ClinVar after 2014. All submitters classified the variant as pathogenic/likely pathogenic. Based on the evidence outlined above, the variant was classified as pathogenic.

CeGaT Center for Human Genetics Tuebingen
Classification: Pathogenic. Last evaluated: 2022-01-01. Review status: criteria provided, single submitter. Criteria: CeGaT Center For Human Genetics Tuebingen Variant Classification Criteria Version 2. Collection method: clinical testing. Allele origin: germline. Affected: yes. Observed: 4 variant alleles.

Genome-Nilou Lab
Classification: Likely pathogenic for Oculocutaneous albinism type 1A. Last evaluated: 2021-07-22. Review status: criteria provided, single submitter. Criteria: ACMG Guidelines, 2015. Collection method: clinical testing. Allele origin: germline. Affected: no.

GeneDx
Classification: Likely pathogenic. Last evaluated: 2016-07-22. Review status: criteria provided, single submitter. Criteria: GeneDx Variant Classification (06012015). Collection method: clinical testing. Allele origin: germline. Affected: yes.
Comment: The R403S variant in the TYR gene has been reported previously in individuals who underwent genetic testing for oculocutaneous albinism type 1 (Opitz et al., 2004; Oetting et al., 1993; Hutton et al., 2008). The R403S variant was not observed at any significant frequency in approximately 6500 individuals of European and African American ancestry in the NHLBI Exome Sequencing Project, indicating it is not a common benign variant in these populations. The R403S variant is a semi-conservative amino acid substitution, which may impact secondary protein structure as these residues differ in some properties. This substitution occurs at a position that is not conserved; however, in silico analysis predicts this variant is probably damaging to the protein structure/function. Additionally, missense variants in nearby residues (E398V, E398G, W400L, W400C, R402G, R402L, H404N, H404P, R405L, P406L, Q408H) have been reported in the Human Gene Mutation Database in association with oculocutaneous albinism type 1 (Stenson et al., 2014), supporting the functional importance of this region of the protein. The R403S variant is a strong candidate for a pathogenic variant, however the possibility it may be a rare benign variant cannot be excluded.

OMIM
Classification: Pathogenic for ALBINISM, OCULOCUTANEOUS, TYPE IA. Last evaluated: 1992-07-15. Review status: no assertion criteria provided. Collection method: literature only. Allele origin: germline. Not counted in ClinVar's aggregate classification.

Retina International
No classification provided. Review status: no classification provided. Collection method: not provided. Allele origin: not provided. Not counted in ClinVar's aggregate classification.

Literature cited by the submitters: PubMed 1642278 (cited by 4 submitters); PubMed 10987646 (cited by 3 submitters); PubMed 18463683 (cited by Labcorp Genetics (formerly Invitae), Labcorp and Women's Health and Genetics/Laboratory Corporation of America, LabCorp); PubMed 27734839 (cited by Myriad Genetics, Inc.).

NM_000372.5(TYR):c.1209G>T (p.Arg403Ser)

Gene: TYR (tyrosinase; plus strand). Cytogenetic location: 11q14.3.
Variant type: single nucleotide variant.
Coding change: c.1209G>T on transcript NM_000372.5 (MANE Select); coding-DNA position 1209, G replaced by T.
Protein change: p.Arg403Ser; replaces arginine 403 with serine.
Molecular consequence: missense variant.
Genome position (GRCh38, 1-based): chr11:89,284,797, G>T. VCF-style: chr11-89284797-G-T. GRCh37 (hg19) VCF-style: chr11-89017965-G-T.
Other names: short protein forms R403S.
Identifiers: ClinVar variation 3800 (VCV000003800.57), dbSNP rs104894316, ClinGen allele CA227516.
Genomic context (GRCh38, chr11:89,284,797, plus strand): 5'-TATGTTTCTTAGTCTGAATAACCTTTTCCTCTGCAGTATTTTTGAGCAGTGGCTCCGAAG[G>T]CACCGTCCTCTTCAAGAAGTTTATCCAGAAGCCAATGCACCCATTGGACATAACCGGGAA-3'
Protein context (NP_000363.1, residues 393-413): VDSIFEQWLR[Arg403Ser]HRPLQEVYPE